The following is an entry in ClinVar:

NM_002435.3(MPI):c.303C>T (p.Leu101=)

Gene: MPI (mannose phosphate isomerase; plus strand). Cytogenetic location: 15q24.1.
Variant type: single nucleotide variant.
Coding change: c.303C>T on transcript NM_002435.3 (MANE Select); coding-DNA position 303, C replaced by T.
Protein change: p.Leu101=; no amino-acid change (leucine 101 retained).
Molecular consequence: synonymous variant.
Genome position (GRCh38, 1-based): chr15:74,891,537, C>T. VCF-style: chr15-74891537-C-T. GRCh37 (hg19) VCF-style: chr15-75183878-C-T.
Other names: c.303C>T, p.Leu101= (NM_001289155.2, NM_001289157.2); c.153C>T, p.Leu51= (NM_001289156.2); c.243C>T, p.Leu81= (NM_001330372.2).
Identifiers: ClinVar variation 196348 (VCV000196348.53), dbSNP rs139228075, ClinGen allele CA243269.

ClinVar aggregate classification (germline): Conflicting classifications of pathogenicity. Review status: criteria provided, conflicting classifications (1 of 4 stars). 10 submissions from 10 submitters: Uncertain significance (2); Benign (2); Likely benign (3). 3 of the submissions do not count toward it. Last evaluated 2026-01-26.

Conditions:
MPI-congenital disorder of glycosylation. Also called: CONGENITAL DISORDER OF GLYCOSYLATION, TYPE Ib; MPI DEFICIENCY; CDG Ib; MANNOSEPHOSPHATE ISOMERASE DEFICIENCY; PROTEIN-LOSING ENTEROPATHY-HEPATIC FIBROSIS SYNDROME; MPI-CDG. Identifiers: Orphanet 79319, MedGen C1865145, MONDO:0011257, OMIM 602579.

Allele frequency attached by ClinVar (database versions not stated): 1000 Genomes Project 0.00140; 1000 Genomes Project 30x 0.00141; gnomAD exomes 0.00219 and 0.00366; gnomAD 0.00240; ESP Exome Variant Server 0.00254; TOPMed 0.00256.
gnomAD v4.1: 5,633 of 1,614,188 alleles (0.35%); highest among the groups gnomAD compares: Non-Finnish European, 0.45%; 14 homozygotes.

Submissions (10):

Labcorp Genetics (formerly Invitae), Labcorp
Classification: Benign for MPI-congenital disorder of glycosylation. Last evaluated: 2026-01-26. Review status: criteria provided, single submitter. Criteria: Invitae Variant Classification Sherloc (09022015). Collection method: clinical testing. Allele origin: germline.

Blueprint Genetics
Classification: Likely benign. Last evaluated: 2024-11-27. Review status: criteria provided, single submitter. Criteria: ACMG Guidelines, 2015. Collection method: clinical testing. Allele origin: germline.

CeGaT Center for Human Genetics Tuebingen
Classification: Likely benign. Last evaluated: 2024-05-01. Review status: criteria provided, single submitter. Criteria: CeGaT Center For Human Genetics Tuebingen Variant Classification Criteria Version 2. Collection method: clinical testing. Allele origin: germline. Affected: yes. Observed: 3 variant alleles.
Comment: MPI: BP4, BP7

Genetic Services Laboratory, University of Chicago
Classification: Benign. Last evaluated: 2021-02-10. Review status: criteria provided, single submitter. Criteria: ACMG Guidelines, 2015. Collection method: clinical testing. Allele origin: germline. Affected: no.

GeneDx
Classification: Likely benign. Last evaluated: 2018-01-29. Review status: criteria provided, single submitter. Criteria: GeneDx Variant Classification (06012015). Collection method: clinical testing. Allele origin: germline. Affected: yes.
Comment: This variant is considered likely benign or benign based on one or more of the following criteria: it is a conservative change, it occurs at a poorly conserved position in the protein, it is predicted to be benign by multiple in silico algorithms, and/or has population frequency not consistent with disease.

Illumina Laboratory Services, Illumina
Classification: Uncertain significance for MPI-congenital disorder of glycosylation. Last evaluated: 2017-04-27. Review status: criteria provided, single submitter. Criteria: ICSL Variant Classification Criteria 13 December 2019. Collection method: clinical testing. Allele origin: germline.

Eurofins Ntd Llc (ga)
Classification: Uncertain significance. Last evaluated: 2014-12-19. Review status: criteria provided, single submitter. Criteria: EGL Classification Definitions 2015. Collection method: clinical testing. Allele origin: germline. Observed: 1 variant allele, 1 heterozygote.

Natera, Inc.
Classification: Benign for Congenital disorder of glycosylation type 1b. Last evaluated: 2019-10-21. Review status: no assertion criteria provided. Collection method: clinical testing. Allele origin: germline. Not counted in ClinVar's aggregate classification.

Clinical Genetics DNA and cytogenetics Diagnostics Lab, Erasmus MC, Erasmus Medical Center
Classification: Likely benign. Review status: no assertion criteria provided. Collection method: clinical testing. Allele origin: germline. Affected: yes. Study: VKGL Data-share Consensus. Not counted in ClinVar's aggregate classification.

Clinical Genetics, Academic Medical Center
Classification: Benign. Review status: no assertion criteria provided. Collection method: clinical testing. Allele origin: germline. Affected: yes. Study: VKGL Data-share Consensus. Not counted in ClinVar's aggregate classification.